The following is an entry in ClinVar:

NM_014159.7(SETD2):c.4011A>G (p.Glu1337=)

Gene: SETD2 (SET domain containing 2, histone lysine methyltransferase; minus strand). Cytogenetic location: 3p21.31.
Variant type: single nucleotide variant.
Coding change: c.4011A>G on transcript NM_014159.7 (MANE Select); coding-DNA position 4011, A replaced by G.
Protein change: p.Glu1337=; no amino-acid change (glutamic acid 1337 retained).
Molecular consequence: synonymous variant. On other transcripts: non-coding transcript variant (1).
Genome position (GRCh38, 1-based): chr3:47,120,625, T>C on the plus strand (A>G on the coding strand, the complement: SETD2 is on the minus strand). VCF-style: chr3-47120625-T-C. GRCh37 (hg19) VCF-style: chr3-47162115-T-C.
Other names: c.3879A>G, p.Glu1293= (NM_001349370.3).
Identifiers: ClinVar variation 542235 (VCV000542235.14), dbSNP rs115927459, ClinGen allele CA2363277.

ClinVar aggregate classification (germline): Benign/Likely benign. Review status: criteria provided, multiple submitters, no conflicts (2 of 4 stars). 4 submissions from 4 submitters: Benign (3); Likely benign (1). Last evaluated 2026-07-01.

Conditions:
Luscan-Lumish syndrome. Identifiers: Orphanet 597738, MedGen C4085873, MONDO:0014791, OMIM 616831.

Allele frequency attached by ClinVar (database versions not stated): gnomAD exomes 0.00006 and 0.00021; ExAC 0.00027; gnomAD 0.00073 and 0.00078; TOPMed 0.00075; 1000 Genomes Project 0.00080; 1000 Genomes Project 30x 0.00109; ESP Exome Variant Server 0.00138.
gnomAD v4.1: 205 of 1,614,146 alleles (0.013%); highest among the groups gnomAD compares: African/African-American, 0.25%; 2 homozygotes.

Submissions (4):

CeGaT Center for Human Genetics Tuebingen
Classification: Likely benign. Last evaluated: 2026-07-01. Review status: criteria provided, single submitter. Criteria: CeGaT Center For Human Genetics Tuebingen Variant Classification Criteria Version 2. Collection method: clinical testing. Allele origin: germline. Affected: yes. Observed: 1 variant allele.
Comment: SETD2: BP4, BP7, BS1

Labcorp Genetics (formerly Invitae), Labcorp
Classification: Benign for Luscan-Lumish syndrome. Last evaluated: 2025-11-18. Review status: criteria provided, single submitter. Criteria: Invitae Variant Classification Sherloc (09022015). Collection method: clinical testing. Allele origin: germline.

Genome-Nilou Lab
Classification: Benign for Luscan-Lumish syndrome. Last evaluated: 2022-03-15. Review status: criteria provided, single submitter. Criteria: ACMG Guidelines, 2015. Collection method: clinical testing. Allele origin: germline. Affected: no.

GeneDx
Classification: Benign. Last evaluated: 2021-08-02. Review status: criteria provided, single submitter. Criteria: GeneDx Variant Classification Process June 2021. Collection method: clinical testing. Allele origin: germline. Affected: yes.